The following is an entry in ClinVar:

Conditions:
Breast-ovarian cancer, familial, susceptibility to, 1 (BROVCA1). Also called: BRCA1 Hereditary Breast and Ovarian Cancer; OVARIAN CANCER, SUSCEPTIBILITY TO. Identifiers: Orphanet 145, MedGen C2676676, MONDO:0011450, OMIM 604370. Disease mechanism: loss of function.

Submission:

Brotman Baty Institute, University of Washington
No classification provided (evidence only). Condition: Breast-ovarian cancer, familial 1. Review status: no classification provided. Collection method: in vitro. Allele origin: not applicable. Functional consequence: functionally_normal.
ClinVar note: "not provided" was previously submitted as the classification for the variant. However, the classification appeared to be based only on an observation of functional data so it was converted to no classification on 2025-07-30.

NM_007294.4(BRCA1):c.5014C>A (p.His1672Asn)

Gene: BRCA1 (BRCA1 DNA repair associated; minus strand). Cytogenetic location: 17q21.31.
Variant type: single nucleotide variant.
Coding change: c.5014C>A on transcript NM_007294.4 (MANE Select); coding-DNA position 5014, C replaced by A.
Protein change: p.His1672Asn; replaces histidine 1672 with asparagine.
Molecular consequence: missense variant. On other transcripts: non-coding transcript variant (1).
Genome position (GRCh38, 1-based): chr17:43,067,668, G>T on the plus strand (C>A on the coding strand, the complement: BRCA1 is on the minus strand). VCF-style: chr17-43067668-G-T. GRCh37 (hg19) VCF-style: chr17-41219685-G-T.
Other names: c.4888C>A, p.His1630Asn (NM_001407675.1, NM_001407676.1, NM_001407677.1 and 11 more transcripts); c.4885C>A, p.His1629Asn (NM_001407689.1, NM_001407681.1, NM_001407682.1 and 6 more transcripts); c.4882C>A, p.His1628Asn (NM_001407690.1, NM_001407691.1); c.4873C>A, p.His1625Asn (NM_001407692.1, NM_001407694.1, NM_001407695.1 and 13 more transcripts); c.4870C>A, p.His1624Asn (NM_001407734.1, NM_001407735.1, NM_001407736.1 and 21 more transcripts); c.4867C>A, p.His1623Asn (NM_001407838.1, NM_001407839.1, NM_001407841.1 and 12 more transcripts); c.5008C>A, p.His1670Asn (NM_001407861.1, NM_001407629.1, NM_001407630.1 and 14 more transcripts); c.4813C>A, p.His1605Asn (NM_001407862.1); and 70 more; short protein forms H568N, H1625N, H1693N, H1672N, H1543N, H1583N, H1584N, H1601N.
Identifiers: ClinVar variation 868530 (VCV000868530.3), dbSNP rs587781477, ClinGen allele CA10591490.
Genomic context (GRCh38, chr17:43,067,668, plus strand): 5'-CTGTTTTCATAACAACATGAGTAGTCTCTTCAGTAATTAGATTAGTTAAAGTGATGTGGT[G>T]TTTTCTGGCAAACTTGTACACGAGCATCTGAAATTAAATCAAATATTCCATTATCATGAG-3'
Protein context (NP_009225.1, residues 1662-1682): FMLVYKFARK[His1672Asn]HITLTNLITE